The following is an entry in ClinVar:

ClinVar aggregate classification (germline): Benign. Review status: criteria provided, multiple submitters, no conflicts (2 of 4 stars). 3 submissions from 3 submitters: Benign (2). 1 of the submissions does not count toward it. Last evaluated 2026-02-01.

Conditions:
FBN3-related disorder. Also called: FBN3-related condition.

Allele frequency attached by ClinVar (database versions not stated): gnomAD exomes 0.04243 and 0.04661; 1000 Genomes Project 0.04593; 1000 Genomes Project 30x 0.04809; gnomAD 0.05886 and 0.06069; TOPMed 0.05918; ESP Exome Variant Server 0.06286; ExAC 0.09135.

Submissions (3):

Labcorp Genetics (formerly Invitae), Labcorp
Classification: Benign. Last evaluated: 2026-02-01. Review status: criteria provided, single submitter. Criteria: Invitae Variant Classification Sherloc (09022015). Collection method: clinical testing. Allele origin: germline.

Breakthrough Genomics
Classification: Benign. Review status: criteria provided, single submitter. Criteria: ACMG Guidelines, 2015. Collection method: not provided. Allele origin: germline. Inheritance: Unknown mechanism. Affected: yes.

PreventionGenetics, part of Exact Sciences
Classification: Benign for FBN3-related condition. Last evaluated: 2019-11-01. Review status: no assertion criteria provided. Collection method: clinical testing. Allele origin: germline. Not counted in ClinVar's aggregate classification.
Comment: This variant is classified as benign based on ACMG/AMP sequence variant interpretation guidelines (Richards et al. 2015 PMID: 25741868, with internal and published modifications).

NM_032447.5(FBN3):c.349+6C>T

Gene: FBN3 (fibrillin 3; minus strand). Cytogenetic location: 19p13.2.
Variant type: single nucleotide variant.
Coding change: c.349+6C>T on transcript NM_032447.5 (MANE Select); 6 bases into the intron after coding-DNA position 349, C replaced by T.
Molecular consequence: intron variant.
Genome position (GRCh38, 1-based): chr19:8,146,121, G>A on the plus strand (C>T on the coding strand, the complement: FBN3 is on the minus strand). VCF-style: chr19-8146121-G-A. GRCh37 (hg19) VCF-style: chr19-8211005-G-A.
Other names: c.349+6C>T (NM_001321431.2, NM_001321431.1).
Identifiers: ClinVar variation 1586727 (VCV001586727.11), dbSNP rs62123279, ClinGen allele CA9153760.